The following is an entry in ClinVar:

ClinVar aggregate classification (germline): Benign (1 of 4 stars; one submission).

Allele frequency attached by ClinVar (database versions not stated): gnomAD 0.00009 and 0.00013; TOPMed 0.00008 and 0.00011.

Submission:

GeneDx
Classification: Benign. Last evaluated: 2014-11-17. Review status: criteria provided, single submitter. Criteria: GeneDx Variant Classification (06012015). Collection method: clinical testing. Allele origin: germline. Affected: yes.
Comment: This variant is considered likely benign or benign based on one or more of the following criteria: it is a conservative change, it occurs at a poorly conserved position in the protein, it is predicted to be benign by multiple in silico algorithms, and/or has population frequency not consistent with disease.

NM_172201.2(KCNE2):c.-30T>C

Genes: KCNE2 (potassium voltage-gated channel subfamily E regulatory subunit 2; plus strand), LOC105372791 (uncharacterized LOC105372791; minus strand). Cytogenetic location: 21q22.11.
Variant type: single nucleotide variant.
Coding change: c.-30T>C on transcript NM_172201.2 (MANE Select); 30 bases upstream of the start codon, T replaced by C.
Molecular consequence: 5 prime UTR variant.
Genome position (GRCh38, 1-based): chr21:34,364,134, T>C. VCF-style: chr21-34364134-T-C. GRCh37 (hg19) VCF-style: chr21-35736433-T-C.
Identifiers: ClinVar variation 190791 (VCV000190791.1), dbSNP rs72550226, ClinGen allele CA301977.